The following is an entry in ClinVar:

ClinVar aggregate classification (germline): Uncertain significance (1 of 4 stars; one submission).

Conditions:
Dilated cardiomyopathy 1O (CMD1O). Also called: CARDIOMYOPATHY, DILATED, WITH VENTRICULAR TACHYCARDIA. Identifiers: Orphanet 154, MedGen C1837839, MONDO:0012062, OMIM 608569.

gnomAD v4.1: 1 of 1,613,852 alleles (0.000062%); no homozygotes.

Submission:

Labcorp Genetics (formerly Invitae), Labcorp
Classification: Uncertain significance for Dilated cardiomyopathy 1O. Last evaluated: 2025-12-06. Review status: criteria provided, single submitter. Criteria: Invitae Variant Classification Sherloc (09022015). Collection method: clinical testing. Allele origin: germline.
Comment: This sequence change replaces glycine, which is neutral and non-polar, with cysteine, which is neutral and slightly polar, at codon 1539 of the ABCC9 protein (p.Gly1539Cys). This variant is not present in population databases (gnomAD no frequency). This variant has not been reported in the literature in individuals affected with ABCC9-related conditions. Invitae Evidence Modeling of protein sequence and biophysical properties (such as structural, functional, and spatial information, amino acid conservation, physicochemical variation, residue mobility, and thermodynamic stability) indicates that this missense variant is not expected to disrupt ABCC9 protein function with a negative predictive value of 80%. In summary, the available evidence is currently insufficient to determine the role of this variant in disease. Therefore, it has been classified as a Variant of Uncertain Significance.

NM_020297.4(ABCC9):c.4512+789G>T

Genes: ABCC9 (ATP binding cassette subfamily C member 9; minus strand), KCNJ8-AS1 (KCNJ8 antisense RNA 1; plus strand). Cytogenetic location: 12p12.1.
Variant type: single nucleotide variant.
Coding change: c.4512+789G>T on transcript NM_020297.4 (MANE Select); 789 bases into the intron after coding-DNA position 4512, G replaced by T.
Molecular consequence: intron variant. On other transcripts: missense variant (1).
Genome position (GRCh38, 1-based): chr12:21,805,209, C>A on the plus strand (G>T on the coding strand, the complement: ABCC9 is on the minus strand). VCF-style: chr12-21805209-C-A. GRCh37 (hg19) VCF-style: chr12-21958143-C-A.
Other names: c.4615G>T, p.Gly1539Cys (NM_005691.4); c.3645+789G>T (NM_001377274.1); c.4512+789G>T (NM_001377273.1); short protein forms G1539C.
Identifiers: ClinVar variation 4769210 (VCV004769210.1).